The following is an entry in ClinVar:

NM_001258392.3(CLPB):c.546G>A (p.Val182=)

Gene: CLPB (ClpB family mitochondrial disaggregase; minus strand). Cytogenetic location: 11q13.4.
Variant type: single nucleotide variant.
Coding change: c.546G>A on transcript NM_001258392.3 (MANE Select); coding-DNA position 546, G replaced by A.
Protein change: p.Val182=; no amino-acid change (valine 182 retained).
Molecular consequence: synonymous variant.
Genome position (GRCh38, 1-based): chr11:72,380,381, C>T on the plus strand (G>A on the coding strand, the complement: CLPB is on the minus strand). VCF-style: chr11-72380381-C-T. GRCh37 (hg19) VCF-style: chr11-72091425-C-T.
Other names: c.459G>A, p.Val153= (NM_001258393.3); c.411G>A, p.Val137= (NM_001258394.3); c.546G>A, p.Val182= (NM_030813.6).
Identifiers: ClinVar variation 947993 (VCV000947993.10), dbSNP rs1854871823, ClinGen allele CA475818694.
Genomic context (GRCh38, chr11:72,380,381, plus strand): 5'-AACACTGCTGAAATCATCTCCAAGGTTTGGATCAGCCCCAGCAGCAAGCAGGACCTGTAC[C>T]ACACTAGAAGAAATCACAAAGACAGAAGTGTCAAAAGCAAGAAAGGCCCAGGAGGTACAG-3'
Protein context (NP_001245321.1, residues 172-192): MVAAINRNNS[Val182=]VQVLLAAGAD

ClinVar aggregate classification (germline): Uncertain significance (1 of 4 stars; one submission).

Conditions:
3-methylglutaconic aciduria, type VIIB (MGCA7B). Also called: 3-methylglutaconic aciduria, type VII, with cataracts, neurologic involvement and neutropenia; CLPB Deficiency; 3-methylglutaconic aciduria with cataracts, neurologic involvement and neutropenia. Identifiers: Orphanet 445038, MedGen C5676893, MONDO:0014561, OMIM 616271.

Allele frequency attached by ClinVar (database versions not stated): gnomAD exomes below 0.00001; TOPMed below 0.00001.
gnomAD v4.1: 1 of 1,613,508 alleles (0.000062%); highest among the groups gnomAD compares: Non-Finnish European, 0.000085%; no homozygotes.

Submission:

Labcorp Genetics (formerly Invitae), Labcorp
Classification: Uncertain significance for 3-methylglutaconic aciduria, type VIIB. Last evaluated: 2022-11-29. Review status: criteria provided, single submitter. Criteria: Invitae Variant Classification Sherloc (09022015). Collection method: clinical testing. Allele origin: germline.
Comment: This variant is not present in population databases (gnomAD no frequency). This sequence change affects codon 182 of the CLPB mRNA. It is a 'silent' change, meaning that it does not change the encoded amino acid sequence of the CLPB protein. This variant has not been reported in the literature in individuals affected with CLPB-related conditions. ClinVar contains an entry for this variant (Variation ID: 947993). Algorithms developed to predict the effect of sequence changes on RNA splicing suggest that this variant may create or strengthen a splice site. In summary, the available evidence is currently insufficient to determine the role of this variant in disease. Therefore, it has been classified as a Variant of Uncertain Significance.